The following is an entry in ClinVar:

ClinVar aggregate classification (germline): Uncertain significance. Review status: criteria provided, multiple submitters, no conflicts (2 of 4 stars). 5 submissions from 5 submitters: Uncertain significance (5). Last evaluated 2026-09-17.

Conditions:
CFI-related disorder. Also called: CFI-related condition; CFI-related disorders. Identifiers: MedGen CN239325.
Factor I deficiency (CFID). Also called: Complement factor I deficiency. Identifiers: Orphanet 200418, MedGen C3463916, MONDO:0012594, OMIM 610984.
Atypical hemolytic-uremic syndrome with I factor anomaly. Also called: HEMOLYTIC UREMIC SYNDROME, ATYPICAL, SUSCEPTIBILITY TO, 3; AHUS, SUSCEPTIBILITY TO, 3. Identifiers: Orphanet 2134, MedGen C2752039, MONDO:0013041, OMIM 612923.
Age related macular degeneration 13. Identifiers: MedGen C3809523, MONDO:0014189, OMIM 615439.

Allele frequency attached by ClinVar (database versions not stated): ExAC 0.00002; gnomAD exomes 0.00002 and 0.00004; gnomAD 0.00003 and 0.00004; TOPMed 0.00005.
gnomAD v4.1: 68 of 1,613,964 alleles (0.0042%); highest among the groups gnomAD compares: East Asian, 0.096%; no homozygotes.

Submissions (5):

Genomenon, Inc
Classification: Uncertain significance for CFI-related disorder. Last evaluated: 2026-09-17. Review status: criteria provided, single submitter. Criteria: Genomenon Sequence Variant Interpretation Standards - Updated. Collection method: curation. Allele origin: germline. Affected: yes.
Comment: CFI p.Ile578Thr (c.1733T>C) is a missense variant that changes the amino acid at codon 578 from Isoleucine to Threonine. This variant has been observed in at least one proband affected with a CFI-related disorder (PMID:32510551;25899302;27268256;28596415). Functional studies have been reported (PMID:32510551). It is absent or not present at a significant frequency in gnomAD. In conclusion, we classify CFI p.Ile578Thr (c.1733T>C) as a variant of uncertain significance.

Labcorp Genetics (formerly Invitae), Labcorp
Classification: Uncertain significance. Last evaluated: 2025-08-07. Review status: criteria provided, single submitter. Criteria: Invitae Variant Classification Sherloc (09022015). Collection method: clinical testing. Allele origin: germline.
Comment: This sequence change replaces isoleucine, which is neutral and non-polar, with threonine, which is neutral and polar, at codon 578 of the CFI protein (p.Ile578Thr). This variant is present in population databases (rs760148430, gnomAD 0.02%). This missense change has been observed in individual(s) with atypical hemolytic uremic syndrome and/or macular degeneration (PMID: 24036952, 27268256). ClinVar contains an entry for this variant (Variation ID: 1509573). Invitae Evidence Modeling of protein sequence and biophysical properties (such as structural, functional, and spatial information, amino acid conservation, physicochemical variation, residue mobility, and thermodynamic stability) indicates that this missense variant is not expected to disrupt CFI protein function with a negative predictive value of 95%. Experimental studies are conflicting or provide insufficient evidence to determine the effect of this variant on CFI function (PMID: 32510551). In summary, the available evidence is currently insufficient to determine the role of this variant in disease. Therefore, it has been classified as a Variant of Uncertain Significance.

Blueprint Genetics
Classification: Uncertain significance. Last evaluated: 2024-11-22. Review status: criteria provided, single submitter. Criteria: ACMG Guidelines, 2015. Collection method: clinical testing. Allele origin: germline.

Fulgent Genetics
Classification: Uncertain significance for Factor I deficiency; Atypical hemolytic-uremic syndrome with I factor anomaly; Age related macular degeneration 13. Last evaluated: 2024-06-03. Review status: criteria provided, single submitter. Criteria: ACMG Guidelines, 2015. Collection method: clinical testing. Allele origin: germline.

Mayo Clinic Laboratories, Mayo Clinic
Classification: Uncertain significance. Last evaluated: 2023-04-28. Review status: criteria provided, single submitter. Criteria: ACMG Guidelines, 2015. Collection method: clinical testing. Allele origin: germline. Observed: 1 variant allele.

Literature cited by the submitters: PubMed 32510551 (cited by 3 submitters); PubMed 25899302 (cited by Genomenon, Inc); PubMed 27268256 (cited by 3 submitters); PubMed 28596415 (cited by Genomenon, Inc); PubMed 24036952 (cited by Labcorp Genetics (formerly Invitae), Labcorp and Mayo Clinic Laboratories, Mayo Clinic); PubMed 25788521 (cited by Mayo Clinic Laboratories, Mayo Clinic).

NM_000204.5(CFI):c.1733T>C (p.Ile578Thr)

Gene: CFI (complement factor I; minus strand). Cytogenetic location: 4q25.
Variant type: single nucleotide variant.
Coding change: c.1733T>C on transcript NM_000204.5 (MANE Select); coding-DNA position 1733, T replaced by C.
Protein change: p.Ile578Thr; replaces isoleucine 578 with threonine.
Molecular consequence: missense variant. On other transcripts: non-coding transcript variant (3), intron variant (5).
Genome position (GRCh38, 1-based): chr4:109,740,912, A>G on the plus strand (T>C on the coding strand, the complement: CFI is on the minus strand). VCF-style: chr4-109740912-A-G. GRCh37 (hg19) VCF-style: chr4-110662068-A-G.
Other names: p.Ile578Thr; c.1733T>C (NM_000204.4); c.1757T>C, p.Ile586Thr (NM_001318057.2); c.1712T>C, p.Ile571Thr (NM_001331035.2); c.1676T>C, p.Ile559Thr (NM_001375283.1); c.1124T>C, p.Ile375Thr (NM_001375284.1); c.1513+1579T>C (NM_001375282.1, NM_001375280.1); c.1534+1579T>C (NM_001375281.1, NM_001375279.1); and 1 more; short protein forms I375T, I559T, I571T, I578T, I586T.
Identifiers: ClinVar variation 1509573 (VCV001509573.11), dbSNP rs760148430, ClinGen allele CA3041832.